The following is an entry in ClinVar:

NM_031468.4(CALN1):c.381C>G (p.Asp127Glu)

Gene: CALN1 (calneuron 1; minus strand). Cytogenetic location: 7q11.22.
Variant type: single nucleotide variant.
Coding change: c.381C>G on transcript NM_031468.4 (MANE Select); coding-DNA position 381, C replaced by G.
Protein change: p.Asp127Glu; replaces aspartic acid 127 with glutamic acid.
Molecular consequence: missense variant.
Genome position (GRCh38, 1-based): chr7:72,106,158, G>C on the plus strand (C>G on the coding strand, the complement: CALN1 is on the minus strand). VCF-style: chr7-72106158-G-C. GRCh37 (hg19) VCF-style: chr7-71571143-G-C.
Other names: c.255C>G, p.Asp85Glu (NM_001017440.3, NM_001363460.1); short protein forms D127E, D85E.
Identifiers: ClinVar variation 2657542 (VCV002657542.24), dbSNP rs2537359985, ClinGen allele CA367709496.

ClinVar aggregate classification (germline): Uncertain significance (1 of 4 stars; one submission).

Submission:

CeGaT Center for Human Genetics Tuebingen
Classification: Uncertain significance. Last evaluated: 2022-09-01. Review status: criteria provided, single submitter. Criteria: CeGaT Center For Human Genetics Tuebingen Variant Classification Criteria Version 2. Collection method: clinical testing. Allele origin: germline. Affected: yes. Observed: 1 variant allele.
Comment: CALN1: PM2